The following is an entry in ClinVar:

NM_001458.5(FLNC):c.8103A>T (p.Lys2701Asn)

Genes: FLNC (filamin C; plus strand), FLNC-AS1 (FLNC antisense RNA 1; minus strand). Cytogenetic location: 7q32.1.
Variant type: single nucleotide variant.
Coding change: c.8103A>T on transcript NM_001458.5 (MANE Select); coding-DNA position 8103, A replaced by T.
Protein change: p.Lys2701Asn; replaces lysine 2701 with asparagine.
Molecular consequence: missense variant.
Genome position (GRCh38, 1-based): chr7:128,858,448, A>T. VCF-style: chr7-128858448-A-T. GRCh37 (hg19) VCF-style: chr7-128498502-A-T.
Other names: c.8004A>T, p.Lys2668Asn (NM_001127487.2); short protein forms K2668N, K2701N.
Identifiers: ClinVar variation 1721722 (VCV001721722.6), dbSNP rs2536673863, ClinGen allele CA369221792.

ClinVar aggregate classification (germline): Uncertain significance (1 of 4 stars; one submission).

Conditions:
Myofibrillar myopathy 5. Also called: Filaminopathy (type); FILAMINOPATHY, AUTOSOMAL DOMINANT. Identifiers: Orphanet 171445, MedGen C1836050, MONDO:0012289, OMIM 609524.
Distal myopathy with posterior leg and anterior hand involvement. Also called: WILLIAMS DISTAL MYOPATHY. Identifiers: Orphanet 63273, MedGen C3279722, MONDO:0013550, OMIM 614065.
Hypertrophic cardiomyopathy 26. Also called: Cardiomyopathy, familial hypertrophic, 26. Identifiers: Orphanet 75249, MedGen C4310749, MONDO:0014883, OMIM 617047.

Submission:

Labcorp Genetics (formerly Invitae), Labcorp
Classification: Uncertain significance for Distal myopathy with posterior leg and anterior hand involvement; Myofibrillar myopathy 5; Hypertrophic cardiomyopathy 26. Last evaluated: 2022-11-23. Review status: criteria provided, single submitter. Criteria: Invitae Variant Classification Sherloc (09022015). Collection method: clinical testing. Allele origin: germline.
Comment: This sequence change replaces lysine, which is basic and polar, with asparagine, which is neutral and polar, at codon 2701 of the FLNC protein (p.Lys2701Asn). This variant is not present in population databases (gnomAD no frequency). This variant has not been reported in the literature in individuals affected with FLNC-related conditions. Advanced modeling of protein sequence and biophysical properties (such as structural, functional, and spatial information, amino acid conservation, physicochemical variation, residue mobility, and thermodynamic stability) performed at Invitae indicates that this missense variant is not expected to disrupt FLNC protein function. In summary, the available evidence is currently insufficient to determine the role of this variant in disease. Therefore, it has been classified as a Variant of Uncertain Significance.